The following is an entry in ClinVar:

ClinVar aggregate classification (germline): Pathogenic (1 of 4 stars; one submission).

Conditions:
Sulfite oxidase deficiency due to molybdenum cofactor deficiency type A. Also called: Molybdenum cofactor deficiency, complementation group A; Molybdenum Cofactor Deficiency A. Identifiers: Orphanet 308386, Orphanet 833, MedGen C1854988, MONDO:0009643, OMIM 252150.

Submission:

Labcorp Genetics (formerly Invitae), Labcorp
Classification: Pathogenic for Sulfite oxidase deficiency due to molybdenum cofactor deficiency type A. Last evaluated: 2023-03-04. Review status: criteria provided, single submitter. Criteria: Invitae Variant Classification Sherloc (09022015). Collection method: clinical testing. Allele origin: germline.
Comment: For these reasons, this variant has been classified as Pathogenic. This variant has not been reported in the literature in individuals affected with MOCS1-related conditions. This variant is not present in population databases (gnomAD no frequency). This sequence change creates a premature translational stop signal (p.Ala36Argfs*60) in the MOCS1 gene. It is expected to result in an absent or disrupted protein product. Loss-of-function variants in MOCS1 are known to be pathogenic (PMID: 12754701, 16021469).

Literature cited by the submitters: PubMed 12754701; PubMed 16021469.

NM_001358530.2(MOCS1):c.106del (p.Ala36fs)

Gene: MOCS1 (molybdenum cofactor synthesis 1; minus strand). Cytogenetic location: 6p21.2.
Variant type: Deletion.
Coding change: c.106del on transcript NM_001358530.2 (MANE Select); coding-DNA position 106, one base deleted (G; older notation c.106delG).
Protein change: p.Ala36fs; shifts the reading frame from alanine 36.
Molecular consequence: frameshift variant. On other transcripts: 5 prime UTR variant (2), non-coding transcript variant (1).
Genome position (GRCh38, 1-based): chr6:39,934,312, C deleted on the plus strand (G on the coding strand, the reverse complement: MOCS1 is on the minus strand). VCF-style (leftmost placement, unchanged base first): chr6-39934311-GC-G. GRCh37 (hg19) VCF-style: chr6-39902050-GC-G.
Other names: c.106del, p.Ala36fs (NM_001075098.4, NM_001358529.2); c.-29del (NM_001358531.2, NM_001358533.2); short protein forms A36fs.
Identifiers: ClinVar variation 2838918 (VCV002838918.3), dbSNP rs2482460321, ClinGen allele CA2739272998.